The following is an entry in ClinVar:

NM_017514.5(PLXNA3):c.1837C>T (p.Arg613Cys)

Gene: PLXNA3 (plexin A3; plus strand). Cytogenetic location: Xq28.
Variant type: single nucleotide variant.
Coding change: c.1837C>T on transcript NM_017514.5 (MANE Select); coding-DNA position 1837, C replaced by T.
Protein change: p.Arg613Cys; replaces arginine 613 with cysteine.
Molecular consequence: missense variant.
Genome position (GRCh38, 1-based): chrX:154,464,410, C>T. VCF-style: chrX-154464410-C-T. GRCh37 (hg19) VCF-style: chrX-153692753-C-T.
Other names: short protein forms R613C.
Identifiers: ClinVar variation 3348060 (VCV003348060.2).

ClinVar aggregate classification (germline): Uncertain significance (1 of 4 stars; one submission).

Conditions:
PLXNA3-related disorder. Also called: PLXNA3-related condition.

gnomAD v4.1: 13 of 1,208,837 alleles (0.0011%); highest among the groups gnomAD compares: East Asian, 0.003%; no homozygotes.

Submission:

PreventionGenetics, part of Exact Sciences
Classification: Uncertain significance for PLXNA3-related condition. Last evaluated: 2025-11-24. Review status: criteria provided, single submitter. Criteria: ACMG Guidelines, 2015. Collection method: clinical testing. Allele origin: germline.
Comment: The PLXNA3 c.1837C>T variant is predicted to result in the amino acid substitution p.Arg613Cys. To our knowledge, this variant has not been reported in the literature. This variant is reported in 0.0053% of alleles in individuals of South Asian descent in gnomAD, including a hemizygous individual. At this time, the clinical significance of this variant is uncertain due to the absence of conclusive functional and genetic evidence.